The following is an entry in ClinVar:

ClinVar aggregate classification (germline): Likely pathogenic (1 of 4 stars; one submission).

Conditions:
Asphyxiating thoracic dystrophy 5 (SRTD5). Also called: SHORT-RIB THORACIC DYSPLASIA 5 WITHOUT POLYDACTYLY; SHORT-RIB THORACIC DYSPLASIA 5 WITH OR WITHOUT POLYDACTYLY. Identifiers: Orphanet 474, MedGen C3280598, MONDO:0013717, OMIM 614376.
Senior-Loken syndrome 8 (SLSN8). Identifiers: Orphanet 3156, MedGen C4225376, MONDO:0014579, OMIM 616307.

Allele frequency attached by ClinVar (database versions not stated): gnomAD exomes below 0.00001; TOPMed below 0.00001; ExAC 0.00001.
gnomAD v4.1: 1 of 1,603,128 alleles (0.000062%); highest among the groups gnomAD compares: Non-Finnish European, 0.000085%; no homozygotes.

Submission:

Labcorp Genetics (formerly Invitae), Labcorp
Classification: Likely pathogenic for Senior-Loken syndrome 8; Asphyxiating thoracic dystrophy 5. Last evaluated: 2022-03-19. Review status: criteria provided, single submitter. Criteria: Invitae Variant Classification Sherloc (09022015). Collection method: clinical testing. Allele origin: germline.
Comment: This sequence change affects a donor splice site in intron 14 of the WDR19 gene. It is expected to disrupt RNA splicing. Variants that disrupt the donor or acceptor splice site typically lead to a loss of protein function (PMID: 16199547), and loss-of-function variants in WDR19 are known to be pathogenic (PMID: 22019273, 23559409, 23683095, 26275793, 27241786, 29068549). The frequency data for this variant in the population databases is considered unreliable, as metrics indicate poor data quality at this position in the gnomAD database. This variant has not been reported in the literature in individuals affected with WDR19-related conditions. ClinVar contains an entry for this variant (Variation ID: 1067777). Algorithms developed to predict the effect of sequence changes on RNA splicing suggest that this variant may disrupt the consensus splice site. In summary, the currently available evidence indicates that the variant is pathogenic, but additional data are needed to prove that conclusively. Therefore, this variant has been classified as Likely Pathogenic.

Literature cited by the submitters: PubMed 16199547; PubMed 22019273; PubMed 23559409; PubMed 23683095; PubMed 26275793; PubMed 27241786; PubMed 29068549.

NM_025132.4(WDR19):c.1479+2T>C

Gene: WDR19 (WD repeat domain 19; plus strand). Cytogenetic location: 4p14.
Variant type: single nucleotide variant.
Coding change: c.1479+2T>C on transcript NM_025132.4 (MANE Select); the canonical splice donor site of the intron after coding-DNA position 1479, T replaced by C.
Molecular consequence: splice donor variant.
Genome position (GRCh38, 1-based): chr4:39,218,107, T>C. VCF-style: chr4-39218107-T-C. GRCh37 (hg19) VCF-style: chr4-39219727-T-C.
Other names: c.999+2T>C (NM_001317924.2).
Identifiers: ClinVar variation 1067777 (VCV001067777.6), dbSNP rs756329385, ClinGen allele CA2891848.